The following is an entry in ClinVar:

NM_032043.3(BRIP1):c.2968_2971del (p.Ser990fs)

Gene: BRIP1 (BRCA1 interacting DNA helicase 1; minus strand). Cytogenetic location: 17q23.2.
Variant type: Deletion.
Coding change: c.2968_2971del on transcript NM_032043.3 (MANE Select); coding-DNA positions 2968 to 2971, 4 bases deleted (AGCC; older notation c.2968_2971delAGCC).
Protein change: p.Ser990fs; shifts the reading frame from serine 990.
Molecular consequence: frameshift variant.
Genome position (GRCh38, 1-based): chr17:61,684,075-61,684,078, GGCT deleted on the plus strand (AGCC on the coding strand, the reverse complement: BRIP1 is on the minus strand). VCF-style (leftmost placement, unchanged base first): chr17-61684074-GGGCT-G. GRCh37 (hg19) VCF-style: chr17-59761435-GGGCT-G.
Other names: short protein forms S990fs.
Identifiers: ClinVar variation 2951171 (VCV002951171.3), dbSNP rs2544561847, ClinGen allele CA2740093839.
Genomic context (GRCh38, chr17:61,684,074, plus strand): 5'-TACTGTCCCAAAGAATTAAAGCTTGACCAGCTAACTCTCTTTGTTTGTTTGTTGAAAGTT[GGGCT>G]TGTGGATCTGGAAATCACAATTTTTTCTGCTTTCCCTGCTTCTTCCAGGAATACTGGATC-3'

ClinVar aggregate classification (germline): Uncertain significance (1 of 4 stars; one submission).

Conditions:
Fanconi anemia complementation group J. Also called: BRIP1-Related Fanconi Anemia. Identifiers: Orphanet 84, MedGen C1836860, MONDO:0012187, OMIM 609054.
Familial cancer of breast. Also called: BREAST CANCER, FAMILIAL; Hereditary breast cancer; hereditary breast carcinoma. Identifiers: Orphanet 227535, MedGen C0346153, MONDO:0016419, OMIM 114480. Disease mechanism: loss of function.

Submission:

Labcorp Genetics (formerly Invitae), Labcorp
Classification: Uncertain significance for Familial cancer of breast; Fanconi anemia complementation group J. Last evaluated: 2025-07-17. Review status: criteria provided, single submitter. Criteria: Invitae Variant Classification Sherloc (09022015). Collection method: clinical testing. Allele origin: germline.
Comment: This sequence change creates a premature translational stop signal (p.Ser990Glnfs*68) in the BRIP1 gene. While this is not anticipated to result in nonsense mediated decay, it is expected to disrupt the last 260 amino acid(s) of the BRIP1 protein. This variant is not present in population databases (gnomAD no frequency). This variant has not been reported in the literature in individuals affected with BRIP1-related conditions. ClinVar contains an entry for this variant (Variation ID: 2951171). In summary, the available evidence is currently insufficient to determine the role of this variant in disease. Therefore, it has been classified as a Variant of Uncertain Significance.